The following is an entry in ClinVar:

ClinVar aggregate classification (germline): Benign/Likely benign. Review status: criteria provided, multiple submitters, no conflicts (2 of 4 stars). 13 submissions from 13 submitters: Benign (3); Likely benign (6). 4 of the submissions do not count toward it. Last evaluated 2026-08-01.

Conditions:
Epidermolysis bullosa, junctional 5A, intermediate. Also called: EPIDERMOLYSIS BULLOSA, JUNCTIONAL 5A, GENERALIZED INTERMEDIATE; EPIDERMOLYSIS BULLOSA, JUNCTIONAL 5A, NON-HERLITZ TYPE. Identifiers: MedGen C5676956, MONDO:0030768, OMIM 619816.
Inborn genetic diseases. Identifiers: MedGen C0950123, MeSH D030342.
Junctional epidermolysis bullosa with pyloric atresia. Also called: EPIDERMOLYSIS BULLOSA, JUNCTIONAL 5B, WITH PYLORIC ATRESIA; Junctional Epidermolysis Bullosa- Pyloric Atresia Syndrome; APLASIA CUTIS CONGENITA WITH GASTROINTESTINAL ATRESIA; CARMI SYNDROME; EB-PA-ACC; ITGB4-Related Epidermolysis Bullosa with Pyloric Atresia. Identifiers: Orphanet 79403, MedGen C5676875, MONDO:0009183, OMIM 226730.
Nephrotic syndrome. Identifiers: MedGen C0027726, MONDO:0005377, HP:0000100.

Allele frequency attached by ClinVar (database versions not stated): 1000 Genomes Project 0.00140; 1000 Genomes Project 30x 0.00172; TOPMed 0.00206; gnomAD 0.00214; ESP Exome Variant Server 0.00269; ExAC 0.00285; gnomAD exomes 0.00291.
gnomAD v4.1: 4,631 of 1,612,512 alleles (0.29%); highest among the groups gnomAD compares: Middle Eastern, 1.2%; 17 homozygotes.

Submissions (13):

CeGaT Center for Human Genetics Tuebingen
Classification: Likely benign. Last evaluated: 2026-08-01. Review status: criteria provided, single submitter. Criteria: CeGaT Center For Human Genetics Tuebingen Variant Classification Criteria Version 2. Collection method: clinical testing. Allele origin: germline. Affected: yes. Observed: 4 variant alleles.
Comment: ITGB4: PM5, BS2

Labcorp Genetics (formerly Invitae), Labcorp
Classification: Benign. Last evaluated: 2026-01-31. Review status: criteria provided, single submitter. Criteria: Invitae Variant Classification Sherloc (09022015). Collection method: clinical testing. Allele origin: germline.

Genomic Medicine Center of Excellence, King Faisal Specialist Hospital and Research Centre
Classification: Likely benign. Last evaluated: 2025-08-18. Review status: criteria provided, single submitter. Criteria: ACMG Guidelines, 2015. Collection method: clinical testing. Allele origin: germline.

Ambry Genetics
Classification: Likely benign for Inborn genetic diseases. Last evaluated: 2024-10-29. Review status: criteria provided, single submitter. Criteria: Ambry Variant Classification Scheme 2023. Collection method: clinical testing. Allele origin: germline.

Mayo Clinic Laboratories, Mayo Clinic
Classification: Benign. Last evaluated: 2023-05-09. Review status: criteria provided, single submitter. Criteria: ACMG Guidelines, 2015. Collection method: clinical testing. Allele origin: germline. Observed: 2 variant alleles.
Comment: BS1, BS2

Johns Hopkins Genomics, Johns Hopkins University
Classification: Benign for Junctional epidermolysis bullosa with pyloric atresia. Last evaluated: 2020-09-23. Review status: criteria provided, single submitter. Criteria: ACMG Guidelines, 2015. Collection method: clinical testing. Allele origin: germline.

GeneDx
Classification: Likely benign. Last evaluated: 2020-09-18. Review status: criteria provided, single submitter. Criteria: GeneDx Variant Classification Process June 2021. Collection method: clinical testing. Allele origin: germline. Affected: yes.
Comment: This variant is associated with the following publications: (PMID: 29526452)

Illumina Laboratory Services, Illumina
Classification: Likely benign for Junctional epidermolysis bullosa with pyloric atresia. Last evaluated: 2018-01-12. Review status: criteria provided, single submitter. Criteria: ICSL Variant Classification Criteria 13 December 2019. Collection method: clinical testing. Allele origin: germline.
Comment: This variant was observed in the ICSL laboratory as part of a predisposition screen in an ostensibly healthy population. It had not been previously curated by ICSL or reported in the Human Gene Mutation Database (HGMD: prior to June 1st, 2018), and was therefore a candidate for classification through an automated scoring system. Utilizing variant allele frequency, disease prevalence and penetrance estimates, and inheritance mode, an automated score was calculated to assess if this variant is too frequent to cause the disease. Based on the score and internal cut-off values, a variant classified as likely benign is not then subjected to further curation. The score for this variant resulted in a classification of likely benign for this disease.

Breakthrough Genomics
Classification: Likely benign. Review status: criteria provided, single submitter. Criteria: ACMG Guidelines, 2015. Collection method: not provided. Allele origin: germline. Inheritance: Autosomal recessive inheritance. Affected: yes.

Sydney Genome Diagnostics, Children's Hospital Westmead
Classification: Uncertain significance for Nephrotic syndrome. Last evaluated: 2018-10-24. Review status: no assertion criteria provided. Collection method: clinical testing. Allele origin: unknown. Affected: yes. Observed: 1 variant allele, 1 heterozygote. Not counted in ClinVar's aggregate classification.
Comment: To our knowledge, this variant has not been previously reported in the literature to be associated with disease. It has been listed in Exome Aggregation Consortium (ExAC) with a frequency of 335 out of 117600 alleles (0.2%). p.Arg977, is a highly conserved amino acid (up to 11 species) and there is also a large physicochemical difference between the wild type arginine and mutant cysteine. In silico analysis (Alamut Visual v2.6) using Align GVGD, PolyPhen2, SIFT and Mutation Taster all suggest that this variant is likely to be pathogenic.

Diagnostic Laboratory, Department of Genetics, University Medical Center Groningen
Classification: Likely benign. Review status: no assertion criteria provided. Collection method: clinical testing. Allele origin: germline. Affected: yes. Study: VKGL Data-share Consensus. Not counted in ClinVar's aggregate classification.

Genome Diagnostics Laboratory, University Medical Center Utrecht
Classification: Benign. Review status: no assertion criteria provided. Collection method: clinical testing. Allele origin: germline. Affected: yes. Study: VKGL Data-share Consensus. Not counted in ClinVar's aggregate classification.

Narges Medical Genetic and Prenatal Diagnosis Lab
Classification: Benign for Epidermolysis bullosa, junctional 5A, intermediate. Review status: no assertion criteria provided. Collection method: clinical testing. Allele origin: germline. Affected: yes. Observed: 1 homozygote. Not counted in ClinVar's aggregate classification.

NM_000213.5(ITGB4):c.2929C>T (p.Arg977Cys)

Gene: ITGB4 (integrin subunit beta 4; plus strand). Cytogenetic location: 17q25.1.
Variant type: single nucleotide variant.
Coding change: c.2929C>T on transcript NM_000213.5 (MANE Select); coding-DNA position 2929, C replaced by T.
Protein change: p.Arg977Cys; replaces arginine 977 with cysteine.
Molecular consequence: missense variant.
Genome position (GRCh38, 1-based): chr17:75,742,728, C>T. VCF-style: chr17-75742728-C-T. GRCh37 (hg19) VCF-style: chr17-73738809-C-T.
Other names: p.Arg977Cys; c.2929C>T, p.Arg977Cys (NM_001005619.2, NM_001005731.3, NM_001321123.2); short protein forms R977C.
Identifiers: ClinVar variation 325172 (VCV000325172.65), dbSNP rs145976111, ClinGen allele CA8769626.